The following is an entry in ClinVar:

NM_014714.4(IFT140):c.2676C>G (p.Ala892=)

Gene: IFT140 (intraflagellar transport 140; minus strand). Cytogenetic location: 16p13.3.
Variant type: single nucleotide variant.
Coding change: c.2676C>G on transcript NM_014714.4 (MANE Select); coding-DNA position 2676, C replaced by G.
Protein change: p.Ala892=; no amino-acid change (alanine 892 retained).
Molecular consequence: synonymous variant.
Genome position (GRCh38, 1-based): chr16:1,525,979, G>C on the plus strand (C>G on the coding strand, the complement: IFT140 is on the minus strand). VCF-style: chr16-1525979-G-C. GRCh37 (hg19) VCF-style: chr16-1575980-G-C.
Identifiers: ClinVar variation 2645907 (VCV002645907.25), dbSNP rs377016838, ClinGen allele CA492932382.
Genomic context (GRCh38, chr16:1,525,979, plus strand): 5'-CTCCAGGTGCCCGGCATAGCGGTGGTAGGTGCTGCGCAGGTGCACGCGATCGTGGTGCTC[G>C]GCTACCTGGAGGGCCTCCTGCCACCGGCCCGCAGCCTGGTAGAACTTGTTCAGGAGGTCG-3'
Protein context (NP_055529.2, residues 882-902): AGRWQEALQV[Ala892=]EHHDRVHLRS

ClinVar aggregate classification (germline): Likely benign. Review status: criteria provided, multiple submitters, no conflicts (2 of 4 stars). 2 submissions from 2 submitters: Likely benign (2). Last evaluated 2025-02-20.

Conditions:
Saldino-Mainzer syndrome (SRTD9). Also called: short-rib thoracic dysplasia 9 with or without polydactyly; CONORENAL SYNDROME; Renal dysplasia, retinal pigmentary dystrophy, cerebellar ataxia and skeletal dysplasia; SHORT-RIB THORACIC DYSPLASIA 9 WITHOUT POLYDACTYLY. Identifiers: Orphanet 140969, MedGen C1849437, MONDO:0009964, OMIM 266920.

gnomAD v4.1: 10 of 1,592,938 alleles (0.00063%); highest among the groups gnomAD compares: East Asian, 0.0023%; no homozygotes.

Submissions (2):

Labcorp Genetics (formerly Invitae), Labcorp
Classification: Likely benign for Saldino-Mainzer syndrome. Last evaluated: 2025-02-20. Review status: criteria provided, single submitter. Criteria: Invitae Variant Classification Sherloc (09022015). Collection method: clinical testing. Allele origin: germline.

CeGaT Center for Human Genetics Tuebingen
Classification: Likely benign. Last evaluated: 2023-07-01. Review status: criteria provided, single submitter. Criteria: CeGaT Center For Human Genetics Tuebingen Variant Classification Criteria Version 2. Collection method: clinical testing. Allele origin: germline. Affected: yes. Observed: 1 variant allele.
Comment: IFT140: BP4, BP7